The following is an entry in ClinVar:

ClinVar aggregate classification (germline): Uncertain significance. Review status: criteria provided, multiple submitters, no conflicts (2 of 4 stars). 2 submissions from 2 submitters: Uncertain significance (2). Last evaluated 2024-03-25.

Conditions:
Inborn genetic diseases. Identifiers: MedGen C0950123, MeSH D030342.

Allele frequency attached by ClinVar (database versions not stated): gnomAD 0.00001; TOPMed 0.00001; ExAC 0.00002; gnomAD exomes 0.00003; 1000 Genomes Project 30x 0.00016; 1000 Genomes Project 0.00020.
gnomAD v4.1: 50 of 1,613,414 alleles (0.0031%); highest among the groups gnomAD compares: South Asian, 0.0055%; no homozygotes.

Submissions (2):

Ambry Genetics
Classification: Uncertain significance for Inborn genetic diseases. Last evaluated: 2024-03-25. Review status: criteria provided, single submitter. Criteria: Ambry Variant Classification Scheme 2023. Collection method: clinical testing. Allele origin: germline.

Labcorp Genetics (formerly Invitae), Labcorp
Classification: Uncertain significance. Last evaluated: 2021-12-22. Review status: criteria provided, single submitter. Criteria: Invitae Variant Classification Sherloc (09022015). Collection method: clinical testing. Allele origin: germline.
Comment: In summary, the available evidence is currently insufficient to determine the role of this variant in disease. Therefore, it has been classified as a Variant of Uncertain Significance. Algorithms developed to predict the effect of missense changes on protein structure and function (SIFT, PolyPhen-2, Align-GVGD) all suggest that this variant is likely to be disruptive. This variant has not been reported in the literature in individuals affected with ORC1-related conditions. This variant is present in population databases (rs578112635, gnomAD 0.007%). This sequence change replaces arginine, which is basic and polar, with glutamine, which is neutral and polar, at codon 693 of the ORC1 protein (p.Arg693Gln).

NM_004153.4(ORC1):c.2078G>A (p.Arg693Gln)

Gene: ORC1 (origin recognition complex subunit 1; minus strand). Cytogenetic location: 1p32.3.
Variant type: single nucleotide variant.
Coding change: c.2078G>A on transcript NM_004153.4 (MANE Select); coding-DNA position 2078, G replaced by A.
Protein change: p.Arg693Gln; replaces arginine 693 with glutamine.
Molecular consequence: missense variant.
Genome position (GRCh38, 1-based): chr1:52,381,697, C>T on the plus strand (G>A on the coding strand, the complement: ORC1 is on the minus strand). VCF-style: chr1-52381697-C-T. GRCh37 (hg19) VCF-style: chr1-52847369-C-T.
Other names: c.2078G>A, p.Arg693Gln (NM_001190818.2); c.2063G>A, p.Arg688Gln (NM_001190819.2); c.2078G>A (NM_004153.3); short protein forms R688Q, R693Q.
Identifiers: ClinVar variation 1916758 (VCV001916758.4), dbSNP rs578112635, ClinGen allele CA853128.